The following is an entry in ClinVar:

NM_001376.5(DYNC1H1):c.4868G>A (p.Arg1623Gln)

Gene: DYNC1H1 (dynein cytoplasmic 1 heavy chain 1; plus strand). Cytogenetic location: 14q32.31.
Variant type: single nucleotide variant.
Coding change: c.4868G>A on transcript NM_001376.5 (MANE Select); coding-DNA position 4868, G replaced by A.
Protein change: p.Arg1623Gln; replaces arginine 1623 with glutamine.
Molecular consequence: missense variant.
Genome position (GRCh38, 1-based): chr14:102,002,950, G>A. VCF-style: chr14-102002950-G-A. GRCh37 (hg19) VCF-style: chr14-102469287-G-A.
Other names: short protein forms R1623Q.
Identifiers: ClinVar variation 424046 (VCV000424046.16), dbSNP rs1064796765, ClinGen allele CA16619826.
Genomic context (GRCh38, chr14:102,002,950, plus strand): 5'-GATTGGCAGACCTGCTAGGAAAGATCCAGAAAGCATTGGGAGAATATCTGGAAAGAGAGC[G>A]GTCATCTTTCCCCAGGTAAGATCCTTGCTTTGACTTGGCCTGGAGTCAAGTTGAATTTCA-3'
Protein context (NP_001367.2, residues 1613-1633): KALGEYLERE[Arg1623Gln]SSFPRFYFVG

ClinVar aggregate classification (germline): Pathogenic/Likely pathogenic. Review status: criteria provided, multiple submitters, no conflicts (2 of 4 stars). 7 submissions from 7 submitters: Pathogenic (2); Likely pathogenic (3). 2 of the submissions do not count toward it. Last evaluated 2026-03-01.

Conditions:
DYNC1H1-related disorder. Also called: DYNC1H1-related condition; DYNC1H1-related disorders. Identifiers: MedGen CN381529.
Cortical dysplasia, complex, with other brain malformations 13. Also called: Intellectual disability, autosomal dominant 13. Identifiers: MedGen C3281202, MONDO:0013805, OMIM 614563.
Megalencephaly-polymicrogyria-polydactyly-hydrocephalus syndrome 2 (MPPH2). Also called: MEGALENCEPHALY-POLYMICROGYRIA-POLYDACTYLY-HYDROCEPHALUS SYNDROME 2, SOMATIC. Identifiers: Orphanet 83473, MedGen C4014738, MONDO:0014407, OMIM 615937.
Charcot-Marie-Tooth disease axonal type 2O. Also called: CHARCOT-MARIE-TOOTH NEUROPATHY, AXONAL, TYPE 2O; CHARCOT-MARIE-TOOTH DISEASE, AXONAL, AUTOSOMAL DOMINANT, TYPE 2O; Charcot-Marie-Tooth Neuropathy Type 2O; Charcot-Marie-Tooth disease, axonal, type 20. Identifiers: Orphanet 284232, MedGen C3280220, MONDO:0013644, OMIM 614228.
Lissencephaly. Also called: Lissencephaly spectrum disorders. Identifiers: Orphanet 48471, MedGen C0266463, MeSH D054082, MONDO:0018838, HP:0001339.

Submissions (7):

Qatar Biomedical Research Institute, Hamad Bin Khalifa University
Classification: Likely pathogenic for Megalencephaly-polymicrogyria-polydactyly-hydrocephalus syndrome 2. Last evaluated: 2026-03-01. Review status: criteria provided, single submitter. Criteria: ACMG Guidelines, 2015. Collection method: research. Allele origin: de novo. Inheritance: Autosomal dominant inheritance. Affected: yes. Observed: 1 variant allele, 1 heterozygote.
Comment: This variant is absent from population frequency databases (gnomAD, 1000 Genomes, ExAC) and is reported once in ClinVar as pathogenic. In accordance with ACMG/AMP guidelines, the c.4868G>A variant was classified as Likely Pathogenic based on the following criteria: PM2 (absent from controls), PP2 (missense variant in a gene with a low rate of benign variation), PP3 (supporting computational evidence), and PP5 (reputable source reports it as pathogenic)

Revvity Omics, Revvity
Classification: Likely pathogenic. Last evaluated: 2023-11-16. Review status: criteria provided, single submitter. Criteria: ACMG Guidelines, 2015. Collection method: clinical testing. Allele origin: germline.

Labcorp Genetics (formerly Invitae), Labcorp
Classification: Pathogenic for Charcot-Marie-Tooth disease axonal type 2O. Last evaluated: 2023-06-29. Review status: criteria provided, single submitter. Criteria: Invitae Variant Classification Sherloc (09022015). Collection method: clinical testing. Allele origin: germline.
Comment: This missense change has been observed in individual(s) with DYNC1H1-related conditions (PMID: 28135719, 29671837). In at least one individual the variant was observed to be de novo. This sequence change replaces arginine, which is basic and polar, with glutamine, which is neutral and polar, at codon 1623 of the DYNC1H1 protein (p.Arg1623Gln). This variant is not present in population databases (gnomAD no frequency). ClinVar contains an entry for this variant (Variation ID: 424046). Advanced modeling of protein sequence and biophysical properties (such as structural, functional, and spatial information, amino acid conservation, physicochemical variation, residue mobility, and thermodynamic stability) performed at Invitae indicates that this missense variant is expected to disrupt DYNC1H1 protein function. For these reasons, this variant has been classified as Pathogenic.

GeneDx
Classification: Pathogenic. Last evaluated: 2022-03-14. Review status: criteria provided, single submitter. Criteria: GeneDx Variant Classification Process June 2021. Collection method: clinical testing. Allele origin: germline. Affected: yes.
Comment: Not observed at significant frequency in large population cohorts (gnomAD); In silico analysis supports that this missense variant has a deleterious effect on protein structure/function; This variant is associated with the following publications: (PMID: 26100331, 25609763, 25512093, 29671837, 31785789, 35099838, 28135719)

Undiagnosed Diseases Network, NIH
Classification: Likely pathogenic for Cortical dysplasia, complex, with other brain malformations 13. Last evaluated: 2017-02-20. Review status: criteria provided, single submitter. Criteria: ACMG Guidelines, 2015. Collection method: clinical testing. Allele origin: de novo. Inheritance: Autosomal dominant inheritance. Affected: yes. Observed: 1 variant allele, 1 heterozygote. Study: Undiagnosed Diseases Network (NIH), UDN.

PreventionGenetics, part of Exact Sciences
Classification: Pathogenic for DYNC1H1-related condition. Last evaluated: 2024-08-14. Review status: no assertion criteria provided. Collection method: clinical testing. Allele origin: germline. Not counted in ClinVar's aggregate classification.
Comment: The DYNC1H1 c.4868G>A variant is predicted to result in the amino acid substitution p.Arg1623Gln. This variant has been reported with de novo occurrence in multiple individuals with DYNC1H1-related phenotypes (Reported via g.102469287, Supplementary Table 1, McRae et al. 2017. PubMed ID: 28135719; Supplementary Table 2, Di Donato et al. 2018. PubMed ID: 29671837; Reported via g.102469287, Supplemental Table 1, Kaplanis et al. 2020. PubMed ID: 33057194; Liu et al. 2022. PubMed ID: 36175372). This variant has not been reported in a large population database, indicating this variant is rare. This variant is interpreted as pathogenic.

University of Washington Center for Mendelian Genomics, University of Washington
Classification: Likely pathogenic for lissencephaly. Review status: no assertion criteria provided. Collection method: research. Allele origin: de novo. Affected: yes. Not counted in ClinVar's aggregate classification.

Literature cited by the submitters: PubMed 28135719 (cited by Labcorp Genetics (formerly Invitae), Labcorp); PubMed 29671837 (cited by Labcorp Genetics (formerly Invitae), Labcorp and University of Washington Center for Mendelian Genomics, University of Washington).